The following is an entry in ClinVar:

NM_012128.4(CLCA4):c.424A>C (p.Lys142Gln)

Gene: CLCA4 (chloride channel accessory 4; plus strand). Cytogenetic location: 1p22.3.
Variant type: single nucleotide variant.
Coding change: c.424A>C on transcript NM_012128.4 (MANE Select); coding-DNA position 424, A replaced by C.
Protein change: p.Lys142Gln; replaces lysine 142 with glutamine.
Molecular consequence: missense variant. On other transcripts: non-coding transcript variant (1).
Genome position (GRCh38, 1-based): chr1:86,560,334, A>C. VCF-style: chr1-86560334-A-C. GRCh37 (hg19) VCF-style: chr1-87026017-A-C.
Other names: short protein forms K142Q.
Identifiers: ClinVar variation 2302696 (VCV002302696.8), dbSNP rs201840590, ClinGen allele CA935277.
Genomic context (GRCh38, chr1:86,560,334, plus strand): 5'-ACAGAATGTGGAGAGAAAGGCGAATACATTCACTTCACCCCTGACCTTCTACTTGGAAAA[A>C]AACAAAATGAATATGGACCACCAGGTAGAAATTTTGGTTAAAAAATAATTTTGCAGTGAT-3'
Protein context (NP_036260.2, residues 132-152): HFTPDLLLGK[Lys142Gln]QNEYGPPGKL

ClinVar aggregate classification (germline): Conflicting classifications of pathogenicity. Review status: criteria provided, conflicting classifications (1 of 4 stars). 2 submissions from 2 submitters: Uncertain significance (1); Likely benign (1). Last evaluated 2025-10-01.

Allele frequency attached by ClinVar (database versions not stated): ESP Exome Variant Server 0.00008; TOPMed 0.00015; 1000 Genomes Project 30x 0.00016; gnomAD 0.00016; gnomAD exomes 0.00021; ExAC 0.00031.
gnomAD v4.1: 359 of 1,613,822 alleles (0.022%); highest among the groups gnomAD compares: Middle Eastern, 0.3%; 2 homozygotes.

Submissions (2):

CeGaT Center for Human Genetics Tuebingen
Classification: Likely benign. Last evaluated: 2025-10-01. Review status: criteria provided, single submitter. Criteria: CeGaT Center For Human Genetics Tuebingen Variant Classification Criteria Version 2. Collection method: clinical testing. Allele origin: germline. Affected: yes. Observed: 1 variant allele.
Comment: CLCA4: BP4

Ambry Genetics
Classification: Uncertain significance. Last evaluated: 2021-09-16. Review status: criteria provided, single submitter. Criteria: Ambry Variant Classification Scheme 2023. Collection method: clinical testing. Allele origin: germline.